The following is an entry in ClinVar:

ClinVar aggregate classification (germline): Conflicting classifications of pathogenicity. Review status: criteria provided, conflicting classifications (1 of 4 stars). 5 submissions from 5 submitters: Uncertain significance (1); Benign (1); Likely benign (2). 1 of the submissions does not count toward it. Last evaluated 2024-12-18.

Conditions:
VPS13A-related neurodegenerative disease. Also called: ACANTHOCYTOSIS WITH NEUROLOGIC DISORDER; Choreoacanthocytosis; Chorea-acanthocytosis; Choreaacanthocytosis; LEVINE-CRITCHLEY SYNDROME; VPS13A Disease. Identifiers: Orphanet 2388, MedGen C0393576, MONDO:0008695, OMIM 200150.

Allele frequency attached by ClinVar (database versions not stated): ESP Exome Variant Server 0.00008; TOPMed 0.00008; gnomAD 0.00009 and 0.00013; 1000 Genomes Project 30x 0.00016; ExAC 0.00018; 1000 Genomes Project 0.00020; gnomAD exomes 0.00021 and 0.00022.
gnomAD v4.1: 329 of 1,603,596 alleles (0.021%); highest among the groups gnomAD compares: East Asian, 0.46%; 2 homozygotes.

Submissions (5):

Labcorp Genetics (formerly Invitae), Labcorp
Classification: Benign. Last evaluated: 2024-12-18. Review status: criteria provided, single submitter. Criteria: Invitae Variant Classification Sherloc (09022015). Collection method: clinical testing. Allele origin: germline.

Blueprint Genetics
Classification: Likely benign. Last evaluated: 2023-10-23. Review status: criteria provided, single submitter. Criteria: ACMG Guidelines, 2015. Collection method: clinical testing. Allele origin: germline.

CeGaT Center for Human Genetics Tuebingen
Classification: Likely benign. Last evaluated: 2022-10-01. Review status: criteria provided, single submitter. Criteria: CeGaT Center For Human Genetics Tuebingen Variant Classification Criteria Version 2. Collection method: clinical testing. Allele origin: germline. Affected: yes. Observed: 1 variant allele.
Comment: VPS13A: BP4, BP7

Illumina Laboratory Services, Illumina
Classification: Uncertain significance for VPS13A-related neurodegenerative disease. Last evaluated: 2018-01-13. Review status: criteria provided, single submitter. Criteria: ICSL Variant Classification Criteria 13 December 2019. Collection method: clinical testing. Allele origin: germline.

Natera, Inc.
Classification: Benign for Choreaacanthocytosis. Last evaluated: 2020-04-13. Review status: no assertion criteria provided. Collection method: clinical testing. Allele origin: germline. Not counted in ClinVar's aggregate classification.

NM_033305.3(VPS13A):c.2922C>T (p.Pro974=)

Gene: VPS13A (vacuolar protein sorting 13 homolog A; plus strand). Cytogenetic location: 9q21.2.
Variant type: single nucleotide variant.
Coding change: c.2922C>T on transcript NM_033305.3 (MANE Select); coding-DNA position 2922, C replaced by T.
Protein change: p.Pro974=; no amino-acid change (proline 974 retained).
Molecular consequence: synonymous variant.
Genome position (GRCh38, 1-based): chr9:77,281,884, C>T. VCF-style: chr9-77281884-C-T. GRCh37 (hg19) VCF-style: chr9-79896800-C-T.
Other names: c.2922C>T, p.Pro974= (NM_001018037.2, NM_001018038.3, NM_015186.4).
Identifiers: ClinVar variation 695756 (VCV000695756.46), dbSNP rs373768055, ClinGen allele CA5092095.